The following is an entry in ClinVar:

ClinVar aggregate classification (germline): Uncertain significance (1 of 4 stars; one submission).

Submission:

GeneDx
Classification: Uncertain significance. Last evaluated: 2022-09-18. Review status: criteria provided, single submitter. Criteria: GeneDx Variant Classification Process June 2021. Collection method: clinical testing. Allele origin: germline. Affected: yes.
Comment: Not observed at significant frequency in large population cohorts (gnomAD); In silico analysis supports that this missense variant has a deleterious effect on protein structure/function; Has not been previously published as pathogenic or benign to our knowledge

NM_000815.5(GABRD):c.1339T>G (p.Trp447Gly)

Gene: GABRD (gamma-aminobutyric acid type A receptor subunit delta; plus strand). Cytogenetic location: 1p36.33.
Variant type: single nucleotide variant.
Coding change: c.1339T>G on transcript NM_000815.5 (MANE Select); coding-DNA position 1339, T replaced by G.
Protein change: p.Trp447Gly; replaces tryptophan 447 with glycine.
Molecular consequence: missense variant.
Genome position (GRCh38, 1-based): chr1:2,030,262, T>G. VCF-style: chr1-2030262-T-G. GRCh37 (hg19) VCF-style: chr1-1961701-T-G.
Other names: short protein forms W447G.
Identifiers: ClinVar variation 2444801 (VCV002444801.1), dbSNP rs2525648929, ClinGen allele CA337961184.